The following is an entry in ClinVar:

ClinVar aggregate classification (germline): Conflicting classifications of pathogenicity. Review status: criteria provided, conflicting classifications (1 of 4 stars). 4 submissions from 4 submitters: Likely pathogenic (1); Uncertain significance (3). Last evaluated 2025-09-04.

Conditions:
TOPORS-related disorder. Also called: TOPORS-related condition.
Retinitis pigmentosa 31 (RP31). Identifiers: Orphanet 791, MedGen C1835923, MONDO:0012367, OMIM 609923.

Submissions (4):

Labcorp Genetics (formerly Invitae), Labcorp
Classification: Likely pathogenic. Last evaluated: 2025-09-04. Review status: criteria provided, single submitter. Criteria: Invitae Variant Classification Sherloc (09022015). Collection method: clinical testing. Allele origin: germline.
Comment: This sequence change creates a premature translational stop signal (p.Cys1042*) in the TOPORS gene. While this is not anticipated to result in nonsense mediated decay, it is expected to disrupt the last 4 amino acid(s) of the TOPORS protein. This variant is present in population databases (rs776001696, gnomAD 0.003%). This premature translational stop signal has been observed in individuals with clinical features of retinitis pigmentosa (internal data). ClinVar contains an entry for this variant (Variation ID: 940703). In summary, the currently available evidence indicates that the variant is pathogenic, but additional data are needed to prove that conclusively. Therefore, this variant has been classified as Likely Pathogenic.

PreventionGenetics, part of Exact Sciences
Classification: Uncertain significance for TOPORS-related condition. Last evaluated: 2025-02-05. Review status: criteria provided, single submitter. Criteria: ACMG Guidelines, 2015. Collection method: clinical testing. Allele origin: germline.
Comment: The TOPORS c.3126_3127delTG variant is predicted to result in premature protein termination (p.Cys1042*). To our knowledge, this variant has not been reported in the literature. This variant is present in the last exon of the gene, and very close to the termination codon; therefore, the impact of this truncation on the resulting protein is uncertain. This variant is reported in 0.0058% of alleles in individuals of Latino descent in gnomAD. At this time, the clinical significance of this variant is uncertain due to the absence of conclusive functional and genetic evidence.

Blueprint Genetics
Classification: Uncertain significance. Last evaluated: 2024-11-07. Review status: criteria provided, single submitter. Criteria: ACMG Guidelines, 2015. Collection method: clinical testing. Allele origin: germline.

3billion
Classification: Uncertain significance for Retinitis pigmentosa 31. Review status: criteria provided, single submitter. Criteria: ACMG Guidelines, 2015. Collection method: clinical testing. Allele origin: unknown. Affected: yes. Observed: 1 heterozygote.
Comment: The variant is observed at an extremely low frequency in the gnomAD v2.1.1 dataset (total allele frequency: 0.002%). The variant is predicted to result in a loss or disruption of normal protein function through protein truncation. The predicted truncated protein may be shortened by less than 10%. Therefore, this variant is classified as Uncertain significance according to the recommendation of ACMG/AMP guideline.

NM_005802.5(TOPORS):c.3126_3127del (p.Cys1042_Asp1043delinsTer)

Gene: TOPORS (TOP1 binding arginine/serine rich protein, E3 ubiquitin ligase; minus strand). Cytogenetic location: 9p21.1.
Variant type: Microsatellite.
Coding change: c.3126_3127del on transcript NM_005802.5 (MANE Select); coding-DNA positions 3126 to 3127, 2 bases deleted (TG; older notation c.3126_3127delTG).
Protein change: p.Cys1042_Asp1043delinsTer.
Molecular consequence: nonsense.
Genome position (GRCh38, 1-based): chr9:32,541,398-32,541,399, CA deleted on the plus strand (TG on the coding strand, the reverse complement: TOPORS is on the minus strand); deleting any 2 consecutive bases within chr9:32,541,398-32,541,401 gives the same sequence; the c. name uses the placement nearest the transcript's 3' end. VCF-style (leftmost placement, unchanged base first): chr9-32541397-TCA-T. GRCh37 (hg19) VCF-style: chr9-32541395-TCA-T.
Other names: c.2931_2932del, p.Cys977_Asp978delinsTer (NM_001195622.2); c.3126_3127delTG (NM_005802.4).
Identifiers: ClinVar variation 940703 (VCV000940703.10), dbSNP rs776001696, ClinGen allele CA5020248.